The following is an entry in ClinVar:

ClinVar aggregate classification (germline): Uncertain significance (1 of 4 stars; one submission).

Conditions:
RASopathy. Also called: rasopathies; Noonan spectrum disorder. Identifiers: Orphanet 536391, MedGen C5555857, MONDO:0021060.

Submission:

Labcorp Genetics (formerly Invitae), Labcorp
Classification: Uncertain significance for RASopathy. Last evaluated: 2024-11-24. Review status: criteria provided, single submitter. Criteria: Invitae Variant Classification Sherloc (09022015). Collection method: clinical testing. Allele origin: germline.
Comment: This sequence change affects codon 179 of the RAF1 mRNA. It is a 'silent' change, meaning that it does not change the encoded amino acid sequence of the RAF1 protein. This variant is not present in population databases (gnomAD no frequency). This variant has been observed in individual(s) with dilated cardiomyopathy (internal data). ClinVar contains an entry for this variant (Variation ID: 652080). Algorithms developed to predict the effect of sequence changes on RNA splicing suggest that this variant may disrupt the consensus splice site. In summary, the available evidence is currently insufficient to determine the role of this variant in disease. Therefore, it has been classified as a Variant of Uncertain Significance.

NM_002880.4(RAF1):c.537A>G (p.Lys179=)

Gene: RAF1 (Raf-1 proto-oncogene, serine/threonine kinase; minus strand). Cytogenetic location: 3p25.2.
Variant type: single nucleotide variant.
Coding change: c.537A>G on transcript NM_002880.4 (MANE Select); coding-DNA position 537, A replaced by G.
Protein change: p.Lys179=; no amino-acid change (lysine 179 retained).
Molecular consequence: synonymous variant. On other transcripts: non-coding transcript variant (3).
Genome position (GRCh38, 1-based): chr3:12,608,810, T>C on the plus strand (A>G on the coding strand, the complement: RAF1 is on the minus strand). VCF-style: chr3-12608810-T-C. GRCh37 (hg19) VCF-style: chr3-12650309-T-C.
Other names: c.537A>G, p.Lys179= (NM_001354689.3, NM_001354690.3, NM_001354693.3); c.294A>G, p.Lys98= (NM_001354691.3, NM_001354692.3, NM_001354694.3 and 1 more transcripts).
Identifiers: ClinVar variation 652080 (VCV000652080.8), dbSNP rs1575582733, ClinGen allele CA432275687.